The following is an entry in ClinVar:

NM_138773.4(SLC25A46):c.992T>C (p.Leu331Pro)

Gene: SLC25A46 (solute carrier family 25 member 46; plus strand). Cytogenetic location: 5q22.1.
Variant type: single nucleotide variant.
Coding change: c.992T>C on transcript NM_138773.4 (MANE Select); coding-DNA position 992, T replaced by C.
Protein change: p.Leu331Pro; replaces leucine 331 with proline.
Molecular consequence: missense variant. On other transcripts: non-coding transcript variant (1).
Genome position (GRCh38, 1-based): chr5:110,761,517, T>C. VCF-style: chr5-110761517-T-C. GRCh37 (hg19) VCF-style: chr5-110097217-T-C.
Other names: c.749T>C, p.Leu250Pro (NM_001303249.3); c.719T>C, p.Leu240Pro (NM_001303250.3); short protein forms L331P, L250P, L240P.
Identifiers: ClinVar variation 638588 (VCV000638588.8), dbSNP rs1580870952, ClinGen allele CA360696659.

ClinVar aggregate classification (germline): Conflicting classifications of pathogenicity. Review status: criteria provided, conflicting classifications (1 of 4 stars). 2 submissions from 2 submitters: Likely pathogenic (1); Uncertain significance (1). Last evaluated 2022-07-15.

Conditions:
SLC25A46-associated optic atrophy spectrum disorder.
Neuropathy, hereditary motor and sensory, type 6B (HMSN6B). Also called: CHARCOT-MARIE-TOOTH DISEASE, TYPE 6B; HMSN VIB; Neuropathy, hereditary motor and sensory, type VIB; NEUROPATHY, HEREDITARY MOTOR AND SENSORY, TYPE VIB, WITH OPTIC ATROPHY. Identifiers: MedGen C4225302, MONDO:0014671, OMIM 616505.

Submissions (2):

Labcorp Genetics (formerly Invitae), Labcorp
Classification: Uncertain significance for Neuropathy, hereditary motor and sensory, type 6B. Last evaluated: 2022-07-15. Review status: criteria provided, single submitter. Criteria: Invitae Variant Classification Sherloc (09022015). Collection method: clinical testing. Allele origin: germline.
Comment: Algorithms developed to predict the effect of missense changes on protein structure and function (SIFT, PolyPhen-2, Align-GVGD) all suggest that this variant is likely to be disruptive. This sequence change replaces leucine, which is neutral and non-polar, with proline, which is neutral and non-polar, at codon 331 of the SLC25A46 protein (p.Leu331Pro). This variant is not present in population databases (gnomAD no frequency). This missense change has been observed in individual(s) with clinical features of pontocerebellar hypoplasia (PMID: 31607746). ClinVar contains an entry for this variant (Variation ID: 638588). In summary, the available evidence is currently insufficient to determine the role of this variant in disease. Therefore, it has been classified as a Variant of Uncertain Significance.

Undiagnosed Diseases Network, NIH
Classification: Likely pathogenic for SLC25A46-associated optic atrophy spectrum disorder. Last evaluated: 2019-03-05. Review status: criteria provided, single submitter. Criteria: ACMG Guidelines, 2015. Collection method: clinical testing. Allele origin: maternal. Inheritance: Autosomal recessive inheritance. Affected: yes. Observed: 1 variant allele, 1 compound heterozygote. Study: Undiagnosed Diseases Network (NIH), UDN.

Literature cited by the submitters: PubMed 31607746 (cited by Labcorp Genetics (formerly Invitae), Labcorp).